The following is an entry in ClinVar:

ClinVar aggregate classification (germline): Pathogenic/Likely pathogenic. Review status: criteria provided, multiple submitters, no conflicts (2 of 4 stars). 3 submissions from 3 submitters: Pathogenic (1); Likely pathogenic (2). Last evaluated 2025-07-31.

Conditions:
Familial adenomatous polyposis 4 (FAP4). Also called: MSH3-related attenuated familial adenomatous polyposis. Identifiers: Orphanet 480536, MedGen C4310719, MONDO:0044300, OMIM 617100.
Hereditary cancer-predisposing syndrome. Also called: Hereditary neoplastic syndrome; Neoplastic Syndromes, Hereditary; Tumor predisposition; Hereditary Cancer Syndrome. Identifiers: Orphanet 140162, MedGen C0027672, MeSH D009386, MONDO:0015356.

Allele frequency attached by ClinVar (database versions not stated): gnomAD exomes below 0.00001; TOPMed 0.00001.

Submissions (4):

Ambry Genetics
Classification: Likely pathogenic for Hereditary cancer-predisposing syndrome. Last evaluated: 2025-07-31. Review status: criteria provided, single submitter. Criteria: Ambry Variant Classification Scheme 2023. Collection method: clinical testing. Allele origin: germline.
Comment: The c.2319-2A>G intronic variant results from an A to G substitution two nucleotides upstream from coding exon 17 in the MSH3 gene. Alterations that disrupt the canonical splice site are expected to result in aberrant splicing. In silico splice site analysis predicts that this alteration will weaken the native splice acceptor site. RNA studies have demonstrated that this alteration results in abnormal splicing in the set of samples tested (Ambry internal data). Another alteration impacting the same acceptor site (c.2319-1G>A) has been identified in conjunction with a MSH3 frameshift mutation in two siblings with multiple colorectal adenomatous polyps (one sibling was also diagnosed with astrocytoma, duodenal adenomas, thyroid adenomas, and intraductal papillomas). This patient had constitutional MSH3 loss on immunohistochemical staining. The same study found that c.2319-1G>A caused abnormal splicing resulting in the loss of exon 17, which is expected to cause in an in-frame deletion of 39 amino acids (Adam R et al. Am J Hum Genet, 2016 Aug;99:337-51). This nucleotide position is highly conserved in available vertebrate species. This variant is considered to be rare based on population cohorts in the Genome Aggregation Database (gnomAD). Based on the majority of available evidence to date, this variant is likely to be pathogenic.

Myriad Genetics, Inc.
Classification: Likely pathogenic for Familial adenomatous polyposis 4. Last evaluated: 2023-08-30. Review status: criteria provided, single submitter. Criteria: Myriad Autosomal Dominant, Autosomal Recessive and X-Linked Classification Criteria (2023). Collection method: clinical testing. Allele origin: unknown.
Comment: This variant is considered likely pathogenic. This variant occurs within a consensus splice junction and is predicted to result in abnormal mRNA splicing of either an out-of-frame exon or an in-frame exon necessary for protein stability and/or normal function.

Labcorp Genetics (formerly Invitae), Labcorp
Classification: Pathogenic. Last evaluated: 2022-10-28. Review status: criteria provided, single submitter. Criteria: Invitae Variant Classification Sherloc (09022015). Collection method: clinical testing. Allele origin: germline.
Comment: ClinVar contains an entry for this variant (Variation ID: 947447). Disruption of this splice site has been observed in individuals with MSH3-associated polyposis (PMID: 27476653; Invitae). It has also been observed to segregate with disease in related individuals. This variant is present in population databases (no rsID available, gnomAD 0.0009%). This sequence change affects an acceptor splice site in intron 16 of the MSH3 gene. RNA analysis indicates that disruption of this splice site induces altered splicing and likely results in a shortened protein product. Studies have shown that disruption of this splice site results in skipping of exon 17, but is expected to preserve the integrity of the reading-frame (PMID: 27476653; Invitae). For these reasons, this variant has been classified as Pathogenic.

Dr. Peter K. Rogan Lab, Western University
No classification provided (evidence only). Condition: Malignant tumor of urinary bladder. Review status: no classification provided. Collection method: in vitro. Allele origin: not applicable. Functional consequence: retained intron. Not counted in ClinVar's aggregate classification.

Literature cited by the submitters: PubMed 27476653 (cited by Ambry Genetics and Labcorp Genetics (formerly Invitae), Labcorp).

NM_002439.5(MSH3):c.2319-2A>G

Gene: MSH3 (mutS homolog 3; plus strand). Cytogenetic location: 5q14.1.
Variant type: single nucleotide variant.
Coding change: c.2319-2A>G on transcript NM_002439.5 (MANE Select); the canonical splice acceptor site of the intron before coding-DNA position 2319, A replaced by G.
Molecular consequence: splice acceptor variant.
Genome position (GRCh38, 1-based): chr5:80,778,718, A>G. VCF-style: chr5-80778718-A-G. GRCh37 (hg19) VCF-style: chr5-80074537-A-G.
Identifiers: ClinVar variation 947447 (VCV000947447.13), dbSNP rs1197719947, ClinGen allele CA360281694.
Genomic context (GRCh38, chr5:80,778,718, plus strand): 5'-GATGGCATTTCGGATTTTTTACTAACCTTGATTTCCTATTTGTGTTCTTTCCCCTCTTCT[A>G]GCACAAAAGCTGTGAGCCGCTTTCACTCTCCTTTTATTGTAGAAAATTACAGACATCTGA-3'